The following is an entry in ClinVar:

ClinVar aggregate classification (germline): Pathogenic (1 of 4 stars; one submission).

Conditions:
Hereditary cancer-predisposing syndrome. Also called: Hereditary neoplastic syndrome; Neoplastic Syndromes, Hereditary; Tumor predisposition; Hereditary Cancer Syndrome. Identifiers: Orphanet 140162, MedGen C0027672, MeSH D009386, MONDO:0015356.
Cardiovascular phenotype. Identifiers: MedGen CN230736.

Submission:

Ambry Genetics
Classification: Pathogenic for Cardiovascular phenotype; Hereditary cancer-predisposing syndrome. Last evaluated: 2024-12-12. Review status: criteria provided, single submitter. Criteria: Ambry Variant Classification Scheme 2023. Collection method: clinical testing. Allele origin: germline.
Comment: The c.1522dupC pathogenic mutation, located in coding exon 14 of the LZTR1 gene, results from a duplication of C at nucleotide position 1522, causing a translational frameshift with a predicted alternate stop codon (p.L508Pfs*161). This variant is considered to be rare based on population cohorts in the Genome Aggregation Database (gnomAD). Loss-of-function variants in LZTR1 are related to an increased risk for schwannomas and autosomal recessive Noonan syndrome; however, such associations with autosomal dominant Noonan syndrome have not been observed (Piotrowski A et al. Nat Genet. 2014 Feb;46:182-7; Yamamoto GL et al. J Med Genet. 2015 Jun;52:413-21; Johnston JJ et al. Genet Med. 2018 10;20:1175-1185). Based on the supporting evidence, this variant is pathogenic for an increased risk of LZTR1-related schwannomatosis (SWN) and would be expected to cause autosomal recessive Noonan syndrome when present along with a second pathogenic or likely pathogenic variant on the other allele; however, the association of this alteration with autosomal dominant Noonan syndrome is unlikely.

NM_006767.4(LZTR1):c.1522dup (p.Leu508fs)

Gene: LZTR1 (leucine zipper like post translational regulator 1; plus strand). Cytogenetic location: 22q11.21.
Variant type: Duplication.
Coding change: c.1522dup on transcript NM_006767.4 (MANE Select); coding-DNA position 1522, one base duplicated (C; older notation c.1522dupC).
Protein change: p.Leu508fs; shifts the reading frame from leucine 508.
Molecular consequence: frameshift variant.
Genome position (GRCh38, 1-based): chr22:20,994,176, C duplicated; the last of 4 consecutive C bases (chr22:20,994,173-20,994,176); duplicating any one gives the same sequence. VCF-style (leftmost placement, unchanged base first): chr22-20994172-G-GC. GRCh37 (hg19) VCF-style: chr22-21348461-G-GC.
Other names: short protein forms L508fs.
Identifiers: ClinVar variation 3869261 (VCV003869261.1).
Genomic context (GRCh38, chr22:20,994,172, plus strand): 5'-GCAGGAGGCCGCCCCAGTTCCCAGGGAGGCCCCCGGCGTGGCTGCTGGTGGGGCCCGGCC[G>GC]CCCCTGCTGCACGTGGCCATCCGGGAGGCCGAGGCCCGGCCCTTCGAGGTGCTCATGCAG-3'